The following is an entry in ClinVar:

NM_007294.4(BRCA1):c.5181A>G (p.Lys1727=)

Gene: BRCA1 (BRCA1 DNA repair associated; minus strand). Cytogenetic location: 17q21.31.
Variant type: single nucleotide variant.
Coding change: c.5181A>G on transcript NM_007294.4 (MANE Select); coding-DNA position 5181, A replaced by G.
Protein change: p.Lys1727=; no amino-acid change (lysine 1727 retained).
Molecular consequence: synonymous variant.
Genome position (GRCh38, 1-based): chr17:43,063,345, T>C on the plus strand (A>G on the coding strand, the complement: BRCA1 is on the minus strand). VCF-style: chr17-43063345-T-C. GRCh37 (hg19) VCF-style: chr17-41215362-T-C.
Other names: c.4968A>G, p.Lys1656= (NM_001407571.1, NM_001407894.1, NM_001407895.1 and 12 more transcripts); c.5247A>G, p.Lys1749= (NM_001407581.1, NM_001407582.1); c.5244A>G, p.Lys1748= (NM_001407583.1, NM_001407585.1, NM_001407587.1 and 1 more transcripts); c.5241A>G, p.Lys1747= (NM_001407590.1, NM_001407591.1); c.5181A>G, p.Lys1727= (NM_001407593.1, NM_001407594.1, NM_001407596.1 and 7 more transcripts); c.5178A>G, p.Lys1726= (NM_001407610.1, NM_001407611.1, NM_001407612.1 and 17 more transcripts); c.5175A>G, p.Lys1725= (NM_001407627.1, NM_001407628.1, NM_001407629.1 and 14 more transcripts); c.5172A>G, p.Lys1724= (NM_001407644.1, NM_001407645.1); and 72 more.
Identifiers: ClinVar variation 867449 (VCV000867449.3), dbSNP rs2051859200, ClinGen allele CA500146046.

Conditions:
Breast-ovarian cancer, familial, susceptibility to, 1 (BROVCA1). Also called: BRCA1 Hereditary Breast and Ovarian Cancer; OVARIAN CANCER, SUSCEPTIBILITY TO. Identifiers: Orphanet 145, MedGen C2676676, MONDO:0011450, OMIM 604370. Disease mechanism: loss of function.

Submission:

Brotman Baty Institute, University of Washington
No classification provided (evidence only). Condition: Breast-ovarian cancer, familial 1. Review status: no classification provided. Collection method: in vitro. Allele origin: not applicable. Functional consequence: functionally_normal.
ClinVar note: "not provided" was previously submitted as the classification for the variant. However, the classification appeared to be based only on an observation of functional data so it was converted to no classification on 2025-07-30.